The following is an entry in ClinVar:

ClinVar aggregate classification (germline): Uncertain significance. Review status: reviewed by expert panel (3 of 4 stars). 4 submissions from 4 submitters: Uncertain significance (1). 3 of the submissions do not count toward it. Last evaluated 2024-09-30.

Conditions:
Hereditary thrombocytopenia and hematologic cancer predisposition syndrome. Identifiers: Orphanet 71290, MedGen CN281654, MONDO:0011071.
Hereditary thrombocytopenia and hematological cancer predisposition syndrome associated with RUNX1. Also called: Familial thrombocytopenia with propensity to acute myelogenous leukemia; PLATELET DISORDER, ASPIRIN-LIKE; Familial Platelet Disorder with Propensity to Acute Myelogenous Leukemia; RUNX1 Familial Platelet Disorder with Associated Myeloid Malignancies. Identifiers: Orphanet 71290, MedGen C1832388, MeSH C563324, MONDO:0100083, OMIM 601399.
RUNX1-related disorder. Also called: RUNX1-related condition.
Thrombocytopenia. Identifiers: MedGen C0040034, MeSH D013921, MONDO:0002049, HP:0001873.

Submissions (4):

ClinGen Myeloid Malignancy Variant Curation Expert Panel
Classification: Uncertain significance for Hereditary thrombocytopenia and hematologic cancer predisposition syndrome. Last evaluated: 2024-09-30. Review status: reviewed by expert panel. Criteria: ClinGen MyeloMalig ACMG Specifications v2. Collection method: curation. Allele origin: germline. Inheritance: Autosomal dominant inheritance.
Comment: NM_001754.5(RUNX1):c.595G>A (p.Gly199Arg) is a missense variant which has a REVEL score ≥ 0.88 (0.947) (PP3). This missense variant is located within the Runt Homology Domain (AA 89-204), but does not occur in an established hotspot residue (PM1_supporting). This variant is completely absent from all population databases with at least 20x coverage for RUNX1 (PM2_supporting). Additionally, this variant is a missense change at the same residue (p.Gly199) where a different missense change has been previously established as a likely pathogenic variant (ClinVar ID 627343) based on MM-VCEP rules for RUNX1, and RNA data or agreement in splicing predictors (SSF and MES) show no splicing effects (PM5_supporting). In summary, the clinical significance of this variant is uncertain. ACMG/AMP criteria applied, as specified by the Myeloid Malignancy Variant Curation Expert Panel for RUNX1: PP3, PM1_supporting, PM2_supporting, PM5_supporting.

NIHR Bioresource Rare Diseases, University of Cambridge
Classification: Uncertain significance for Thrombocytopenia. Last evaluated: 2019-02-01. Review status: criteria provided, single submitter. Criteria: ACMG Guidelines, 2015. Collection method: research. Allele origin: unknown. Affected: yes. Observed: 1 heterozygote. Study: ThromboGenomics. Not counted in ClinVar's aggregate classification.

Blueprint Genetics
Classification: Likely pathogenic for RUNX1-related disorders. Last evaluated: 2018-01-13. Review status: criteria provided, single submitter. Criteria: ACMG Guidelines, 2015. Collection method: clinical testing. Allele origin: germline. Affected: yes. Observed: 1 variant allele. Not counted in ClinVar's aggregate classification.

ISTH-SSC Genomics in Thrombosis and Hemostasis, KU Leuven, Center for Molecular and Vascular Biology
Classification: Uncertain significance for Hereditary thrombocytopenia and hematological cancer predisposition syndrome associated with RUNX1. Review status: criteria provided, single submitter. Criteria: ACMG Guidelines, 2015. Collection method: clinical testing. Allele origin: germline. Affected: yes. Observed: 1 heterozygote. Not counted in ClinVar's aggregate classification.
Comment: Submitted to the GoldVariant database by Dr Marie-Christine Morel-Kopp; Northern Blood Research Centre, Sydney, Australia

Literature cited by the submitters: PubMed 31064749 (cited by NIHR Bioresource Rare Diseases, University of Cambridge).

NM_001754.5(RUNX1):c.595G>A (p.Gly199Arg)

Genes: RUNX1 (RUNX family transcription factor 1; minus strand), RUNX1-AS1 (RUNX1 antisense RNA 1; plus strand). Cytogenetic location: 21q22.12.
Variant type: single nucleotide variant.
Coding change: c.595G>A on transcript NM_001754.5 (MANE Select); coding-DNA position 595, G replaced by A.
Protein change: p.Gly199Arg; replaces glycine 199 with arginine.
Molecular consequence: missense variant.
Genome position (GRCh38, 1-based): chr21:34,859,492, C>T on the plus strand (G>A on the coding strand, the complement: RUNX1 is on the minus strand). VCF-style: chr21-34859492-C-T. GRCh37 (hg19) VCF-style: chr21-36231789-C-T.
Other names: NM_001754.5(RUNX1):c.595G>A; p.Gly199Arg; c.514G>A, p.Gly172Arg (NM_001001890.3, NM_001122607.2); short protein forms G199R, G172R.
Identifiers: ClinVar variation 627343 (VCV000627343.5), dbSNP rs1601470582, ClinGen allele CA410207969.